The following is an entry in ClinVar:

NM_201548.5(CERKL):c.1348G>A (p.Ala450Thr)

Gene: CERKL (ceramide kinase like; minus strand). Cytogenetic location: 2q31.3.
Variant type: single nucleotide variant.
Coding change: c.1348G>A on transcript NM_201548.5 (MANE Select); coding-DNA position 1348, G replaced by A.
Protein change: p.Ala450Thr; replaces alanine 450 with threonine.
Molecular consequence: missense variant. On other transcripts: non-coding transcript variant (2).
Genome position (GRCh38, 1-based): chr2:181,544,717, C>T on the plus strand (G>A on the coding strand, the complement: CERKL is on the minus strand). VCF-style: chr2-181544717-C-T. GRCh37 (hg19) VCF-style: chr2-182409444-C-T.
Other names: c.1426G>A, p.Ala476Thr (NM_001030311.3); c.1009G>A, p.Ala337Thr (NM_001030312.3); c.1141G>A, p.Ala381Thr (NM_001030313.3); c.1294G>A, p.Ala432Thr (NM_001160277.2); short protein forms A432T, A337T, A381T, A450T, A476T.
Identifiers: ClinVar variation 1046573 (VCV001046573.2), dbSNP rs748979374, ClinGen allele CA2010460.

ClinVar aggregate classification (germline): Uncertain significance (1 of 4 stars; one submission).

Allele frequency attached by ClinVar (database versions not stated): gnomAD exomes below 0.00001; TOPMed below 0.00001; ExAC 0.00001.
gnomAD v4.1: 3 of 1,600,500 alleles (0.00019%); highest among the groups gnomAD compares: East Asian, 0.0022%; no homozygotes.

Submission:

Labcorp Genetics (formerly Invitae), Labcorp
Classification: Uncertain significance. Last evaluated: 2022-07-18. Review status: criteria provided, single submitter. Criteria: Invitae Variant Classification Sherloc (09022015). Collection method: clinical testing. Allele origin: germline.
Comment: This sequence change replaces alanine, which is neutral and non-polar, with threonine, which is neutral and polar, at codon 476 of the CERKL protein (p.Ala476Thr). This variant is present in population databases (rs748979374, gnomAD 0.006%). This variant has not been reported in the literature in individuals affected with CERKL-related conditions. ClinVar contains an entry for this variant (Variation ID: 1046573). Algorithms developed to predict the effect of missense changes on protein structure and function output the following: SIFT: "Tolerated"; PolyPhen-2: "Benign"; Align-GVGD: "Class C0". The threonine amino acid residue is found in multiple mammalian species, which suggests that this missense change does not adversely affect protein function. In summary, the available evidence is currently insufficient to determine the role of this variant in disease. Therefore, it has been classified as a Variant of Uncertain Significance.